The following is an entry in ClinVar:

ClinVar aggregate classification (germline): Likely pathogenic (1 of 4 stars; one submission).

Conditions:
Phenylketonuria (PKU). Also called: Phenylketonurias; FOLLING DISEASE; Phenylketonuria (PKU); OLIGOPHRENIA PHENYLPYRUVICA. Identifiers: Orphanet 716, MedGen C0031485, MONDO:0009861, OMIM 261600. Disease mechanism: loss of function.

Submission:

Myriad Genetics, Inc.
Classification: Likely pathogenic for Phenylketonuria. Last evaluated: 2021-11-03. Review status: criteria provided, single submitter. Criteria: Myriad Women's Health Autosomal Recessive and X-Linked Classification Criteria (2021). Collection method: clinical testing. Allele origin: unknown.
Comment: NM_000277.1(PAH):c.467delC(A156Efs*39) is expected to be pathogenic in the context of phenylalanine hydroxylase deficiency. This variant is predicted to lead to an abnormal or absent protein product due to the creation of a premature termination codon in PAH, a gene where loss-of-function variants are known to be pathogenic. Please note: this variant was assessed in the context of healthy population screening.

NM_000277.3(PAH):c.467del (p.Ala156fs)

Gene: PAH (phenylalanine hydroxylase; minus strand). Cytogenetic location: 12q23.2.
Variant type: Deletion.
Coding change: c.467del on transcript NM_000277.3 (MANE Select); coding-DNA position 467, one base deleted (C; older notation c.467delC).
Protein change: p.Ala156fs; shifts the reading frame from alanine 156.
Molecular consequence: frameshift variant.
Genome position (GRCh38, 1-based): chr12:102,866,638, G deleted on the plus strand (C on the coding strand, the reverse complement: PAH is on the minus strand). VCF-style (leftmost placement, unchanged base first): chr12-102866637-TG-T. GRCh37 (hg19) VCF-style: chr12-103260415-TG-T.
Other names: c.467del, p.Ala156fs (NM_001354304.2); short protein forms A156fs.
Identifiers: ClinVar variation 1724054 (VCV001724054.2), dbSNP rs2499636974, ClinGen allele CA2580085685.
Genomic context (GRCh38, chr12:102,866,637, plus strand): 5'-ACAAGCAAGGCAGACTTACTGGCGGTAGTTGTAGGCAATGTCAGCAAACTGCTTCCGTCT[TG>T]CACGGTACACAGGATCTTTAAAACCCTAGGAGAAAAGAGACACCTGATTTTTCAAGGCTT-3'